The following is an entry in ClinVar:

ClinVar aggregate classification (germline): Likely pathogenic (1 of 4 stars; one submission).

Conditions:
Fabry disease. Also called: ALPHA-GALACTOSIDASE A DEFICIENCY; ANDERSON-FABRY DISEASE; CERAMIDE TRIHEXOSIDASE DEFICIENCY; GLA DEFICIENCY; HEREDITARY DYSTOPIC LIPIDOSIS; Angiokeratoma corporis diffusum. Identifiers: Orphanet 324, MedGen C0002986, MONDO:0010526, OMIM 301500, HP:0001071. Disease mechanism: Fabry disease is due to inactivating mutations in the X-linked GLA gene resulting in deficiency of the enzyme Alpha Galactosidase-A., loss of function.

Submission:

Genomenon, Inc
Classification: Likely pathogenic for Fabry disease. Last evaluated: 2026-09-08. Review status: criteria provided, single submitter. Criteria: Genomenon Sequence Variant Interpretation Standards - Updated. Collection method: curation. Allele origin: germline. Affected: yes.
Comment: GLA p.Asn320Tyr (c.958A>T) is a missense variant that changes the amino acid at codon 320 from Asparagine to Tyrosine. This variant has been observed in at least one proband with clinical features consistent with Fabry disease (PMID:26415523;10916280). At least one functional study has demonstrated a substantial alteration in protein function relative to the wild-type (PMID:32023956;21598360;26415523;27657681). It is absent or not present at a significant frequency in gnomAD. In silico models predict that this variant is possibly or probably damaging. In conclusion, we classify GLA p.Asn320Tyr (c.958A>T) as a likely pathogenic variant.

Literature cited by the submitters: PubMed 26415523; PubMed 10916280; PubMed 32023956; PubMed 21598360; PubMed 27657681.

NM_000169.3(GLA):c.958A>T (p.Asn320Tyr)

Genes: GLA (galactosidase alpha; minus strand), RPL36A-HNRNPH2 (RPL36A-HNRNPH2 readthrough; plus strand). Cytogenetic location: Xq22.1.
Variant type: single nucleotide variant.
Coding change: c.958A>T on transcript NM_000169.3 (MANE Select); coding-DNA position 958, A replaced by T.
Protein change: p.Asn320Tyr; replaces asparagine 320 with tyrosine.
Molecular consequence: missense variant. On other transcripts: non-coding transcript variant (3), intron variant (2).
Genome position (GRCh38, 1-based): chrX:101,398,411, T>A on the plus strand (A>T on the coding strand, the complement: GLA is on the minus strand). VCF-style: chrX-101398411-T-A. GRCh37 (hg19) VCF-style: chrX-100653399-T-A.
Other names: c.1081A>T, p.Asn361Tyr (NM_001406747.1); c.958A>T, p.Asn320Tyr (NM_001406748.1); c.300+2954T>A (NM_001199973.2); c.177+6589T>A (NM_001199974.2); short protein forms N320Y, N361Y.
Identifiers: ClinVar variation 4087602 (VCV004087602.2).